The following is an entry in ClinVar:

ClinVar aggregate classification (germline): Uncertain significance (1 of 4 stars; one submission).

Submission:

Labcorp Genetics (formerly Invitae), Labcorp
Classification: Uncertain significance. Last evaluated: 2021-12-15. Review status: criteria provided, single submitter. Criteria: Invitae Variant Classification Sherloc (09022015). Collection method: clinical testing. Allele origin: germline.
Comment: In summary, the available evidence is currently insufficient to determine the role of this variant in disease. Therefore, it has been classified as a Variant of Uncertain Significance. Algorithms developed to predict the effect of sequence changes on RNA splicing suggest that this variant may create or strengthen a splice site. Algorithms developed to predict the effect of missense changes on protein structure and function are either unavailable or do not agree on the potential impact of this missense change (SIFT: "Deleterious"; PolyPhen-2: "Not Available"; Align-GVGD: "Class C0"). This variant has not been reported in the literature in individuals affected with MYO6-related conditions. This variant is not present in population databases (gnomAD no frequency). This sequence change replaces methionine, which is neutral and non-polar, with valine, which is neutral and non-polar, at codon 722 of the MYO6 protein (p.Met722Val).

NM_004999.4(MYO6):c.2164A>G (p.Met722Val)

Gene: MYO6 (myosin VI; plus strand). Cytogenetic location: 6q14.1.
Variant type: single nucleotide variant.
Coding change: c.2164A>G on transcript NM_004999.4 (MANE Select); coding-DNA position 2164, A replaced by G.
Protein change: p.Met722Val; replaces methionine 722 with valine.
Molecular consequence: missense variant. On other transcripts: non-coding transcript variant (1).
Genome position (GRCh38, 1-based): chr6:75,879,906, A>G. VCF-style: chr6-75879906-A-G. GRCh37 (hg19) VCF-style: chr6-76589623-A-G.
Other names: c.2164A>G, p.Met722Val (NM_001300899.2, NM_001368136.1, NM_001368137.1 and 2 more transcripts); c.2149A>G, p.Met717Val (NM_001368138.1); short protein forms M722V, M717V.
Identifiers: ClinVar variation 1380178 (VCV001380178.6), dbSNP rs2149343655, ClinGen allele CA364772265.